The following is an entry in ClinVar:

NM_001201543.2(FAM161A):c.2077C>T (p.Gln693Ter)

Gene: FAM161A (FAM161 centrosomal protein A; minus strand). Cytogenetic location: 2p15.
Variant type: single nucleotide variant.
Coding change: c.2077C>T on transcript NM_001201543.2 (MANE Select); coding-DNA position 2077, C replaced by T.
Protein change: p.Gln693Ter; replaces glutamine 693 with a stop codon.
Molecular consequence: nonsense. On other transcripts: non-coding transcript variant (1).
Genome position (GRCh38, 1-based): chr2:61,826,529, G>A on the plus strand (C>T on the coding strand, the complement: FAM161A is on the minus strand). VCF-style: chr2-61826529-G-A. GRCh37 (hg19) VCF-style: chr2-62053664-G-A.
Other names: c.1909C>T, p.Gln637Ter (NM_032180.3); short protein forms Q637*, Q693*.
Identifiers: ClinVar variation 5003712 (VCV005003712.1).

ClinVar aggregate classification (germline): Uncertain significance (1 of 4 stars; one submission).

Conditions:
Retinitis pigmentosa 28 (RP28). Identifiers: Orphanet 791, MedGen C1419614, MONDO:0011630, OMIM 606068.

Submission:

Myriad Genetics, Inc.
Classification: Uncertain significance for Retinitis pigmentosa 28. Last evaluated: 2026-07-27. Review status: criteria provided, single submitter. Criteria: Myriad Autosomal Dominant, Autosomal Recessive and X-Linked Classification Criteria (2023). Collection method: clinical testing. Allele origin: unknown.
Comment: NM_001201543.1(FAM161A):c.2077C>T(Q693*) is a nonsense variant classified as a variant of uncertain significance in the context of retinitis pigmentosa, FAM161A-related. Q693* has not been observed in cases with relevant disease. Relevant functional assessments of this variant are not available in the literature. Q693* has not been observed in referenced population frequency databases. In summary, there is insufficient evidence to classify NM_001201543.1(FAM161A):c.2077C>T(Q693*) as pathogenic or benign. Please note: this variant was assessed in the context of healthy population screening.